The following is an entry in ClinVar:

NM_199420.4(POLQ):c.7415T>A (p.Ile2472Lys)

Gene: POLQ (DNA polymerase theta; minus strand). Cytogenetic location: 3q13.33.
Variant type: single nucleotide variant.
Coding change: c.7415T>A on transcript NM_199420.4 (MANE Select); coding-DNA position 7415, T replaced by A.
Protein change: p.Ile2472Lys; replaces isoleucine 2472 with lysine.
Molecular consequence: missense variant.
Genome position (GRCh38, 1-based): chr3:121,436,250, A>T on the plus strand (T>A on the coding strand, the complement: POLQ is on the minus strand). VCF-style: chr3-121436250-A-T. GRCh37 (hg19) VCF-style: chr3-121155097-A-T.
Other names: short protein forms I2472K.
Identifiers: ClinVar variation 1758802 (VCV001758802.2), dbSNP rs2546747357, ClinGen allele CA354096185.

ClinVar aggregate classification (germline): Uncertain significance (1 of 4 stars; one submission).

Submission:

Ambry Genetics
Classification: Uncertain significance. Last evaluated: 2021-12-10. Review status: criteria provided, single submitter. Criteria: Ambry Variant Classification Scheme 2023. Collection method: clinical testing. Allele origin: germline.
Comment: The p.I2472K variant (also known as c.7415T>A), located in coding exon 28 of the POLQ gene, results from a T to A substitution at nucleotide position 7415. The isoleucine at codon 2472 is replaced by lysine, an amino acid with dissimilar properties. This amino acid position is conserved. In addition, the in silico prediction for this alteration is inconclusive. Since supporting evidence is limited at this time, the clinical significance of this alteration remains unclear.